The following is an entry in ClinVar:

NC_000017.10:g.(?_72295847)_(72309109_?)dup

Gene: DNAI2 (dynein axonemal intermediate chain 2; plus strand). Cytogenetic location: 17q25.1.
Variant type: Duplication.
Identifiers: ClinVar variation 1524309 (VCV001524309.12).

ClinVar aggregate classification (germline): Likely pathogenic (1 of 4 stars; one submission).

Conditions:
Primary ciliary dyskinesia. Also called: Ciliary dyskinesia. Identifiers: Orphanet 244, MedGen C0008780, MONDO:0016575, HP:0012265.

Submission:

Labcorp Genetics (formerly Invitae), Labcorp
Classification: Likely pathogenic for Primary ciliary dyskinesia. Last evaluated: 2020-11-06. Review status: criteria provided, single submitter. Criteria: Invitae Variant Classification Sherloc (09022015). Collection method: clinical testing. Allele origin: germline.
Comment: In summary, the currently available evidence indicates that the variant is pathogenic, but additional data are needed to prove that conclusively. Therefore, this variant has been classified as Likely Pathogenic. This variant has not been reported in the literature in individuals with DNAI2-related conditions. This variant results in a copy number gain of the genomic region encompassing exon(s) 7-12 of the DNAI2 gene. While the exact position of this variant cannot be determined from the data, sub-genic copy number gains are generally in tandem (PMID: 25640679). This variant is predicted to be out-of-frame, and may result in an absent or disrupted protein product. Loss-of-function variants in DNAI2 are known to be pathogenic (PMID: 18950741, 23891469).

Literature cited by the submitters: PubMed 25640679; PubMed 18950741; PubMed 23891469.